The following is an entry in ClinVar:

NM_152641.4(ARID2):c.5029C>T (p.Arg1677Ter)

Gene: ARID2 (AT-rich interaction domain 2; plus strand). Cytogenetic location: 12q12.
Variant type: single nucleotide variant.
Coding change: c.5029C>T on transcript NM_152641.4 (MANE Select); coding-DNA position 5029, C replaced by T.
Protein change: p.Arg1677Ter; replaces arginine 1677 with a stop codon.
Molecular consequence: nonsense.
Genome position (GRCh38, 1-based): chr12:45,891,886, C>T. VCF-style: chr12-45891886-C-T. GRCh37 (hg19) VCF-style: chr12-46285669-C-T.
Other names: c.5029C>T, p.Arg1677Ter (NM_001347839.2); short protein forms R1677*.
Identifiers: ClinVar variation 1196352 (VCV001196352.4), dbSNP rs1368075571, ClinGen allele CA384498131.
Genomic context (GRCh38, chr12:45,891,886, plus strand): 5'-CATGGAGGAAAAGATGTATATCCAGGGCAGTGTCTTTGGGAAGGTTGTGAGCCTTTTCAG[C>T]GACAGCGGTTTTCTTTTATTACCCACTTGCAGGTACACTTTTTAAATACTATTTGATCAG-3'

ClinVar aggregate classification (germline): Pathogenic/Likely pathogenic. Review status: criteria provided, multiple submitters, no conflicts (2 of 4 stars). 2 submissions from 2 submitters: Pathogenic (1); Likely pathogenic (1). Last evaluated 2024-09-17.

Conditions:
ARID2-related disorder. Also called: ARID2-related condition.

Allele frequency attached by ClinVar (database versions not stated): gnomAD exomes below 0.00001; TOPMed below 0.00001; gnomAD 0.00001.
gnomAD v4.1: 2 of 1,614,028 alleles (0.00012%); highest among the groups gnomAD compares: Non-Finnish European, 0.00017%; no homozygotes.

Submissions (2):

GeneDx
Classification: Pathogenic. Last evaluated: 2024-09-17. Review status: criteria provided, single submitter. Criteria: GeneDx Variant Classification Process June 2021. Collection method: clinical testing. Allele origin: germline. Affected: yes.
Comment: Nonsense variant predicted to result in protein truncation or nonsense mediated decay in a gene for which loss of function is a known mechanism of disease; Not observed in large population cohorts (gnomAD); Has not been previously published as pathogenic or benign to our knowledge

Blueprint Genetics
Classification: Likely pathogenic for ARID2-related disorders. Last evaluated: 2022-04-26. Review status: criteria provided, single submitter. Criteria: ACMG Guidelines, 2015. Collection method: clinical testing. Allele origin: germline. Affected: yes. Observed: 1 variant allele.